The following is an entry in ClinVar:

NM_001365536.1(SCN9A):c.785T>C (p.Ile262Thr)

Gene: SCN9A (sodium voltage-gated channel alpha subunit 9; minus strand). Cytogenetic location: 2q24.3.
Variant type: single nucleotide variant.
Coding change: c.785T>C on transcript NM_001365536.1 (MANE Select); coding-DNA position 785, T replaced by C.
Protein change: p.Ile262Thr; replaces isoleucine 262 with threonine.
Molecular consequence: missense variant.
Genome position (GRCh38, 1-based): chr2:166,303,206, A>G on the plus strand (T>C on the coding strand, the complement: SCN9A is on the minus strand). VCF-style: chr2-166303206-A-G. GRCh37 (hg19) VCF-style: chr2-167159716-A-G.
Other names: c.785T>C, p.Ile262Thr (NM_002977.4); short protein forms I262T.
Identifiers: ClinVar variation 471165 (VCV000471165.8), dbSNP rs576712624, ClinGen allele CA1944659.

ClinVar aggregate classification (germline): Uncertain significance. Review status: criteria provided, multiple submitters, no conflicts (2 of 4 stars). 2 submissions from 2 submitters: Uncertain significance (2). Last evaluated 2025-03-17.

Conditions:
Neuropathy, hereditary sensory and autonomic, type 2A (HSAN2A). Also called: ACROOSTEOLYSIS, NEUROGENIC; ACROOSTEOLYSIS, GIACCAI TYPE; MORVAN DISEASE; NEUROPATHY, CONGENITAL SENSORY; NEUROPATHY, HEREDITARY SENSORY RADICULAR, AUTOSOMAL RECESSIVE; NEUROPATHY, HEREDITARY SENSORY, TYPE IIA. Identifiers: Orphanet 970, MedGen C2752089, MONDO:0024309, OMIM 201300.
Generalized epilepsy with febrile seizures plus, type 7 (GEFSP7). Also called: GEFS+, TYPE 7. Identifiers: Orphanet 36387, MedGen C2751778, MONDO:0013470, OMIM 613863.

Allele frequency attached by ClinVar (database versions not stated): gnomAD 0.00001; gnomAD exomes 0.00001; TOPMed 0.00001; ExAC 0.00002; 1000 Genomes Project 30x 0.00016; 1000 Genomes Project 0.00020.
gnomAD v4.1: 12 of 1,613,780 alleles (0.00074%); highest among the groups gnomAD compares: East Asian, 0.013%; no homozygotes.

Submissions (2):

Labcorp Genetics (formerly Invitae), Labcorp
Classification: Uncertain significance for Neuropathy, hereditary sensory and autonomic, type 2A; Generalized epilepsy with febrile seizures plus, type 7. Last evaluated: 2025-03-17. Review status: criteria provided, single submitter. Criteria: Invitae Variant Classification Sherloc (09022015). Collection method: clinical testing. Allele origin: germline.
Comment: This sequence change replaces isoleucine, which is neutral and non-polar, with threonine, which is neutral and polar, at codon 262 of the SCN9A protein (p.Ile262Thr). This variant is present in population databases (rs576712624, gnomAD 0.01%). This variant has not been reported in the literature in individuals affected with SCN9A-related conditions. ClinVar contains an entry for this variant (Variation ID: 471165). Invitae Evidence Modeling of protein sequence and biophysical properties (such as structural, functional, and spatial information, amino acid conservation, physicochemical variation, residue mobility, and thermodynamic stability) indicates that this missense variant is not expected to disrupt SCN9A protein function with a negative predictive value of 95%. In summary, the available evidence is currently insufficient to determine the role of this variant in disease. Therefore, it has been classified as a Variant of Uncertain Significance.

GeneDx
Classification: Uncertain significance. Last evaluated: 2024-02-21. Review status: criteria provided, single submitter. Criteria: GeneDx Variant Classification Process June 2021. Collection method: clinical testing. Allele origin: germline. Affected: yes.
Comment: In silico analysis supports that this missense variant has a deleterious effect on protein structure/function; Has not been previously published as pathogenic or benign to our knowledge